The following is an entry in ClinVar:

NM_177559.3(CSNK2A1):c.1061-9T>C

Gene: CSNK2A1 (casein kinase 2 alpha 1; minus strand). Cytogenetic location: 20p13.
Variant type: single nucleotide variant.
Coding change: c.1061-9T>C on transcript NM_177559.3 (MANE Select); 9 bases into the intron before coding-DNA position 1061, T replaced by C.
Molecular consequence: intron variant.
Genome position (GRCh38, 1-based): chr20:484,085, A>G on the plus strand (T>C on the coding strand, the complement: CSNK2A1 is on the minus strand). VCF-style: chr20-484085-A-G. GRCh37 (hg19) VCF-style: chr20-464729-A-G.
Other names: c.653-9T>C (NM_177560.3); c.1061-9T>C (NM_001362771.2, NM_001895.4, NM_001362770.2).
Identifiers: ClinVar variation 1277616 (VCV001277616.26), dbSNP rs371565154, ClinGen allele CA9723806.
Genomic context (GRCh38, chr20:484,085, plus strand): 5'-GGTGAGCCTGCCAGAGGTCCAAGGGGTGAAGGGGTTGGCACTGAAGAAATCCCTGAAAGA[A>G]AAGAGCTGTCAGTGAGCCAAAGACACCAACCATGGCAATCTTACCAGTTTCTCATAGCAC-3'

ClinVar aggregate classification (germline): Benign/Likely benign. Review status: criteria provided, multiple submitters, no conflicts (2 of 4 stars). 3 submissions from 3 submitters: Benign (1); Likely benign (2). Last evaluated 2023-08-01.

Conditions:
Okur-Chung neurodevelopmental syndrome (OCNDS). Identifiers: Orphanet 689422, MedGen C4310739, MONDO:0014893, OMIM 617062.

Allele frequency attached by ClinVar (database versions not stated): ESP Exome Variant Server 0.00015; gnomAD 0.00015 and 0.00031; gnomAD exomes 0.00015 and 0.00022; ExAC 0.00017; 1000 Genomes Project 0.00020; 1000 Genomes Project 30x 0.00031; TOPMed 0.00040.
gnomAD v4.1: 356 of 1,568,270 alleles (0.023%); highest among the groups gnomAD compares: Admixed American, 0.031%; no homozygotes.

Submissions (3):

CeGaT Center for Human Genetics Tuebingen
Classification: Likely benign. Last evaluated: 2023-08-01. Review status: criteria provided, single submitter. Criteria: CeGaT Center For Human Genetics Tuebingen Variant Classification Criteria Version 2. Collection method: clinical testing. Allele origin: germline. Affected: yes. Observed: 1 variant allele.
Comment: CSNK2A1: PP2, BS2

Fulgent Genetics
Classification: Likely benign for Okur-Chung neurodevelopmental syndrome. Last evaluated: 2022-04-13. Review status: criteria provided, single submitter. Criteria: ACMG Guidelines, 2015. Collection method: clinical testing. Allele origin: unknown.

GeneDx
Classification: Benign. Last evaluated: 2019-08-28. Review status: criteria provided, single submitter. Criteria: GeneDx Variant Classification Process June 2021. Collection method: clinical testing. Allele origin: germline. Affected: yes.